The following is an entry in ClinVar:

ClinVar aggregate classification (germline): Uncertain significance (1 of 4 stars; one submission).

Conditions:
Catecholaminergic polymorphic ventricular tachycardia 1. Also called: VENTRICULAR TACHYCARDIA, STRESS-INDUCED POLYMORPHIC 1; RYR2-Related Catecholaminergic Polymorphic Ventricular Tachycardia; VENTRICULAR TACHYCARDIA, CATECHOLAMINERGIC POLYMORPHIC, 1, WITH OR WITHOUT ATRIAL DYSFUNCTION AND/OR DILATED CARDIOMYOPATHY. Identifiers: Orphanet 3286, MedGen C1631597, MONDO:0011484, OMIM 604772.

Submission:

Labcorp Genetics (formerly Invitae), Labcorp
Classification: Uncertain significance for Catecholaminergic polymorphic ventricular tachycardia 1. Last evaluated: 2025-10-14. Review status: criteria provided, single submitter. Criteria: Invitae Variant Classification Sherloc (09022015). Collection method: clinical testing. Allele origin: germline.
Comment: This sequence change replaces threonine, which is neutral and polar, with isoleucine, which is neutral and non-polar, at codon 3083 of the RYR2 protein (p.Thr3083Ile). This variant is not present in population databases (gnomAD no frequency). This variant has not been reported in the literature in individuals affected with RYR2-related conditions. Invitae Evidence Modeling of protein sequence and biophysical properties (such as structural, functional, and spatial information, amino acid conservation, physicochemical variation, residue mobility, and thermodynamic stability) indicates that this missense variant is not expected to disrupt RYR2 protein function with a negative predictive value of 95%. In summary, the available evidence is currently insufficient to determine the role of this variant in disease. Therefore, it has been classified as a Variant of Uncertain Significance.

NM_001035.3(RYR2):c.9248C>T (p.Thr3083Ile)

Gene: RYR2 (ryanodine receptor 2; plus strand). Cytogenetic location: 1q43.
Variant type: single nucleotide variant.
Coding change: c.9248C>T on transcript NM_001035.3 (MANE Select); coding-DNA position 9248, C replaced by T.
Protein change: p.Thr3083Ile; replaces threonine 3083 with isoleucine.
Molecular consequence: missense variant.
Genome position (GRCh38, 1-based): chr1:237,700,348, C>T. VCF-style: chr1-237700348-C-T. GRCh37 (hg19) VCF-style: chr1-237863648-C-T.
Other names: short protein forms T3083I.
Identifiers: ClinVar variation 4800101 (VCV004800101.1).